The following is an entry in ClinVar:

NM_152564.5(VPS13B):c.4752C>T (p.Ala1584=)

Gene: VPS13B (vacuolar protein sorting 13 homolog B; plus strand). Cytogenetic location: 8q22.2.
Variant type: single nucleotide variant.
Coding change: c.4752C>T on transcript NM_152564.5 (MANE Select); coding-DNA position 4752, C replaced by T.
Protein change: p.Ala1584=; no amino-acid change (alanine 1584 retained).
Molecular consequence: synonymous variant.
Genome position (GRCh38, 1-based): chr8:99,556,456, C>T. VCF-style: chr8-99556456-C-T. GRCh37 (hg19) VCF-style: chr8-100568684-C-T.
Other names: c.4827C>T, p.Ala1609= (NM_017890.5).
Identifiers: ClinVar variation 2012071 (VCV002012071.5), dbSNP rs1824571609, ClinGen allele CA462445322.
Genomic context (GRCh38, chr8:99,556,456, plus strand): 5'-GTTATTTTATCTGTTTTCTTGTTTTTATTTTTGTTTTTTTCGCTGCCTTTACAGGAGAGC[C>T]TTGAACTTAGGAATTCTTCGAGATCCTGGATCAGAAATCGAAGACAGACAATACCAAATA-3'
Protein context (NP_689777.3, residues 1574-1594): SVLRKDIYQR[Ala1584=]LNLGILRDPG

ClinVar aggregate classification (germline): Likely benign. Review status: criteria provided, single submitter (1 of 4 stars). 2 submissions from 2 submitters: Likely benign (1). 1 of the submissions does not count toward it. Last evaluated 2022-11-05.

Conditions:
VPS13B-related disorder. Also called: VPS13B-related condition.
Cohen syndrome (COH1). Also called: PEPPER SYNDROME; Cutis verticis gyrata, retinitis pigmentosa, and sensorineural deafness. Identifiers: Orphanet 193, MedGen C0265223, MONDO:0008999, OMIM 216550.

Allele frequency attached by ClinVar (database versions not stated): gnomAD 0.00001.
gnomAD v4.1: 1 of 1,612,290 alleles (0.000062%); highest among the groups gnomAD compares: Admixed American, 0.0017%; no homozygotes.

Submissions (2):

Labcorp Genetics (formerly Invitae), Labcorp
Classification: Likely benign for Cohen syndrome. Last evaluated: 2022-11-05. Review status: criteria provided, single submitter. Criteria: Invitae Variant Classification Sherloc (09022015). Collection method: clinical testing. Allele origin: germline.

PreventionGenetics, part of Exact Sciences
Classification: Likely benign for VPS13B-related condition. Last evaluated: 2022-05-26. Review status: no assertion criteria provided. Collection method: clinical testing. Allele origin: germline. Not counted in ClinVar's aggregate classification.
Comment: This variant is classified as likely benign based on ACMG/AMP sequence variant interpretation guidelines (Richards et al. 2015 PMID: 25741868, with internal and published modifications).